The following is an entry in ClinVar:

GRCh38/hg38 2p25.1-23.3(chr2:7911603-25790311)x1

Genes: LINC01381 (long independently transcribed non-coding RNA 1381; plus strand), LINC01804 (long independently transcribed non-coding RNA 1804; plus strand), LINC01808 (long independently transcribed non-coding RNA 1808; plus strand), LINC01814 (long intergenic non-protein coding RNA 1814; minus strand), LINC01822 (long independently transcribed non-coding RNA 1822; minus strand) and 552 more. Cytogenetic location: 2p25.1-23.3.
Variant type: copy number loss.
Change: copy number 1 (one copy instead of two) of chr2:7,911,603-25,790,311 (17.88 Mb, GRCh38 coordinates, 1-based), cytogenetic band 2p25.1-23.3.
Identifiers: ClinVar variation 4974755 (VCV004974755.1).

ClinVar aggregate classification (germline): Pathogenic (1 of 4 stars; one submission).

Submission:

Clinical Genomics Laboratory, Laboratory for Precision Diagnostics, University of Washington
Classification: Pathogenic. Last evaluated: 2024-04-23. Review status: criteria provided, single submitter. Criteria: ACMG/ClinGen CNV Guidelines, 2019. Collection method: clinical testing. Allele origin: unknown. Affected: yes. Observed: 1 variant allele, 1 mosaic individual.
Comment: This mosaic deletion is approximately 17.9 Mb in size and contains 77 protein-coding genes, including MYCN, DNMT3A and APOB. The clinical significance of this mosaic deletion is uncertain. Of the genes contained in the deletion of 2p is at least one gene classified as a tumor suppressor gene (DNMT3A), which if mutated on the normal copy of chromosome 2 could possibly contribute to a risk of cancer. People born with a full, not mosaic, deletion of this region would be predicted to have developmental, intellectual, and medical problems. A full deletion of MYCN would likely cause Feingold syndrome, which is characterized by a small head circumference, distinctive facial features, esophageal and/or duodenal atresias, differences in toes and fingers, and mild-to-moderate learning differences. A full deletion of APOB may cause very low cholesterol and triglyceride levels and elevated liver enzymes.

Literature cited by the submitters: PubMed 26168314; PubMed 28982650.